The following is an entry in ClinVar:

NM_001355436.2(SPTB):c.6045G>A (p.Ser2015=)

Gene: SPTB (spectrin beta, erythrocytic; minus strand). Cytogenetic location: 14q23.3.
Variant type: single nucleotide variant.
Coding change: c.6045G>A on transcript NM_001355436.2 (MANE Select); coding-DNA position 6045, G replaced by A.
Protein change: p.Ser2015=; no amino-acid change (serine 2015 retained).
Molecular consequence: synonymous variant.
Genome position (GRCh38, 1-based): chr14:64,767,837, C>T on the plus strand (G>A on the coding strand, the complement: SPTB is on the minus strand). VCF-style: chr14-64767837-C-T. GRCh37 (hg19) VCF-style: chr14-65234555-C-T.
Other names: p.Ser2015=; c.6045G>A, p.Ser2015= (NM_001024858.4, NM_001355437.2).
Identifiers: ClinVar variation 1330514 (VCV001330514.42), dbSNP rs149362111, ClinGen allele CA7229764.

ClinVar aggregate classification (germline): Benign/Likely benign. Review status: criteria provided, multiple submitters, no conflicts (2 of 4 stars). 6 submissions from 6 submitters: Benign (2); Likely benign (4). Last evaluated 2026-01-12.

Allele frequency attached by ClinVar (database versions not stated): gnomAD exomes 0.00026 and 0.00056; ExAC 0.00077; gnomAD 0.00131 and 0.00138; TOPMed 0.00168; ESP Exome Variant Server 0.00177; 1000 Genomes Project 0.00220; 1000 Genomes Project 30x 0.00234.
gnomAD v4.1: 573 of 1,614,024 alleles (0.036%); highest among the groups gnomAD compares: African/African-American, 0.44%; 1 homozygote.

Submissions (6):

Labcorp Genetics (formerly Invitae), Labcorp
Classification: Benign. Last evaluated: 2026-01-12. Review status: criteria provided, single submitter. Criteria: Invitae Variant Classification Sherloc (09022015). Collection method: clinical testing. Allele origin: germline.

ARUP Laboratories, Molecular Genetics and Genomics, ARUP Laboratories
Classification: Likely benign. Last evaluated: 2025-05-09. Review status: criteria provided, single submitter. Criteria: ARUP Molecular Germline Variant Investigation Process 2024. Collection method: clinical testing. Allele origin: germline.

Mayo Clinic Laboratories, Mayo Clinic
Classification: Likely benign. Last evaluated: 2025-04-30. Review status: criteria provided, single submitter. Criteria: ACMG Guidelines, 2015. Collection method: clinical testing. Allele origin: germline. Observed: 7 variant alleles.
Comment: BP4, BP7

Blueprint Genetics
Classification: Likely benign. Last evaluated: 2024-10-18. Review status: criteria provided, single submitter. Criteria: ACMG Guidelines, 2015. Collection method: clinical testing. Allele origin: germline.

CeGaT Center for Human Genetics Tuebingen
Classification: Likely benign. Last evaluated: 2022-04-01. Review status: criteria provided, single submitter. Criteria: CeGaT Center For Human Genetics Tuebingen Variant Classification Criteria Version 2. Collection method: clinical testing. Allele origin: germline. Affected: yes. Observed: 1 variant allele.
Comment: SPTB: BP4, BP7

Breakthrough Genomics
Classification: Benign. Review status: criteria provided, single submitter. Criteria: ACMG Guidelines, 2015. Collection method: not provided. Allele origin: germline. Inheritance: Autosomal dominant inheritance. Affected: yes.